The following is an entry in ClinVar:

ClinVar aggregate classification (germline): Uncertain significance (1 of 4 stars; one submission).

Conditions:
Intellectual developmental disorder, X-linked 97. Also called: Intellectual disability, X-linked 97. Identifiers: Orphanet 777, MedGen C2749020, MONDO:0010430, OMIM 300803.

Submission:

Juno Genomics, Hangzhou Juno Genomics, Inc
Classification: Uncertain significance for Intellectual developmental disorder, X-linked 97. Review status: criteria provided, single submitter. Criteria: ACMG Guidelines, 2015. Collection method: clinical testing. Allele origin: germline.
Comment: Absent from controls (or at extremely low frequency if recessive) in Genome Aggregation Database.;Missense variant in a gene that has a low rate of benign missense variation.

NM_001330574.2(ZNF711):c.1051T>C (p.Tyr351His)

Gene: ZNF711 (ZFX family zinc finger ZNF711; plus strand). Cytogenetic location: Xq21.1.
Variant type: single nucleotide variant.
Coding change: c.1051T>C on transcript NM_001330574.2 (MANE Select); coding-DNA position 1051, T replaced by C.
Protein change: p.Tyr351His; replaces tyrosine 351 with histidine.
Molecular consequence: missense variant. On other transcripts: intron variant (5).
Genome position (GRCh38, 1-based): chrX:85,267,412, T>C. VCF-style: chrX-85267412-T-C. GRCh37 (hg19) VCF-style: chrX-84522418-T-C.
Other names: c.1051T>C, p.Tyr351His (NM_001375431.1, NM_001375432.1, NM_001375433.1); c.917-882T>C (NM_001375435.1, NM_001375436.1, NM_001375437.1 and 2 more transcripts); short protein forms Y351H.
Identifiers: ClinVar variation 5019759 (VCV005019759.2).